The following is an entry in ClinVar:

ClinVar aggregate classification (germline): Uncertain significance. Review status: criteria provided, multiple submitters, no conflicts (2 of 4 stars). 2 submissions from 2 submitters: Uncertain significance (2). Last evaluated 2022-09-21.

Conditions:
Severe combined immunodeficiency due to IKK2 deficiency. Also called: Immunodeficiency 15; IMMUNODEFICIENCY 15B. Identifiers: Orphanet 397787, MedGen C4747743, MONDO:0014267, OMIM 615592.

gnomAD v4.1: 2 of 1,612,472 alleles (0.00012%); highest among the groups gnomAD compares: Non-Finnish European, 0.000085%; no homozygotes.

Submissions (2):

Labcorp Genetics (formerly Invitae), Labcorp
Classification: Uncertain significance for Severe combined immunodeficiency due to IKK2 deficiency. Last evaluated: 2022-09-21. Review status: criteria provided, single submitter. Criteria: Invitae Variant Classification Sherloc (09022015). Collection method: clinical testing. Allele origin: germline.
Comment: In summary, the available evidence is currently insufficient to determine the role of this variant in disease. Therefore, it has been classified as a Variant of Uncertain Significance. Advanced modeling of protein sequence and biophysical properties (such as structural, functional, and spatial information, amino acid conservation, physicochemical variation, residue mobility, and thermodynamic stability) performed at Invitae indicates that this missense variant is not expected to disrupt IKBKB protein function. This variant has not been reported in the literature in individuals affected with IKBKB-related conditions. This variant is not present in population databases (gnomAD no frequency). This sequence change replaces valine, which is neutral and non-polar, with methionine, which is neutral and non-polar, at codon 183 of the IKBKB protein (p.Val183Met).

Blueprint Genetics
Classification: Uncertain significance. Last evaluated: 2019-09-06. Review status: criteria provided, single submitter. Criteria: ACMG Guidelines, 2015. Collection method: clinical testing. Allele origin: germline.

NM_001556.3(IKBKB):c.547G>A (p.Val183Met)

Gene: IKBKB (inhibitor of nuclear factor kappa B kinase subunit beta; plus strand). Cytogenetic location: 8p11.21.
Variant type: single nucleotide variant.
Coding change: c.547G>A on transcript NM_001556.3 (MANE Select); coding-DNA position 547, G replaced by A.
Protein change: p.Val183Met; replaces valine 183 with methionine.
Molecular consequence: missense variant. On other transcripts: non-coding transcript variant (3).
Genome position (GRCh38, 1-based): chr8:42,306,412, G>A. VCF-style: chr8-42306412-G-A. GRCh37 (hg19) VCF-style: chr8-42163930-G-A.
Other names: c.355G>A, p.Val119Met (NM_001190720.3); c.370G>A, p.Val124Met (NM_001242778.2); short protein forms V119M, V124M, V183M.
Identifiers: ClinVar variation 1718208 (VCV001718208.7), dbSNP rs2487520713, ClinGen allele CA371094808.